The following is an entry in ClinVar:

NM_006556.4(PMVK):c.287T>C (p.Val96Ala)

Gene: PMVK (phosphomevalonate kinase; minus strand). Cytogenetic location: 1q21.3.
Variant type: single nucleotide variant.
Coding change: c.287T>C on transcript NM_006556.4 (MANE Select); coding-DNA position 287, T replaced by C.
Protein change: p.Val96Ala; replaces valine 96 with alanine.
Molecular consequence: missense variant.
Genome position (GRCh38, 1-based): chr1:154,929,049, A>G on the plus strand (T>C on the coding strand, the complement: PMVK is on the minus strand). VCF-style: chr1-154929049-A-G. GRCh37 (hg19) VCF-style: chr1-154901525-A-G.
Other names: c.245T>C, p.Val82Ala (NM_001323011.3); c.62T>C, p.Val21Ala (NM_001323012.3, NM_001348696.2); c.287T>C (NM_006556.3); short protein forms V21A, V82A, V96A.
Identifiers: ClinVar variation 377095 (VCV000377095.5), dbSNP rs139248801, ClinGen allele CA1132537.

ClinVar aggregate classification (germline): Likely benign. Review status: criteria provided, single submitter (1 of 4 stars). 2 submissions from 2 submitters: Likely benign (1). 1 of the submissions does not count toward it. Last evaluated 2016-11-07.

Conditions:
PMVK-related disorder. Also called: PMVK-related condition.

Allele frequency attached by ClinVar (database versions not stated): 1000 Genomes Project 0.00180; gnomAD 0.00424 and 0.00456; gnomAD exomes 0.00431 and 0.00615; TOPMed 0.00454; ExAC 0.00518; ESP Exome Variant Server 0.00554.

Submissions (2):

Center for Pediatric Genomic Medicine, Children's Mercy Hospital and Clinics
Classification: Likely benign. Last evaluated: 2016-11-07. Review status: criteria provided, single submitter. Criteria: ACMG Guidelines, 2015. Collection method: clinical testing. Allele origin: germline.
ClinVar note: Converted during submission from Likely Benign to Likely benign.

PreventionGenetics, part of Exact Sciences
Classification: Benign for PMVK-related condition. Last evaluated: 2019-10-22. Review status: no assertion criteria provided. Collection method: clinical testing. Allele origin: germline. Not counted in ClinVar's aggregate classification.
Comment: This variant is classified as benign based on ACMG/AMP sequence variant interpretation guidelines (Richards et al. 2015 PMID: 25741868, with internal and published modifications).